The following is an entry in ClinVar:

ClinVar aggregate classification (germline): Uncertain significance. Review status: criteria provided, multiple submitters, no conflicts (2 of 4 stars). 4 submissions from 4 submitters: Uncertain significance (3). 1 of the submissions does not count toward it. Last evaluated 2022-03-24.

Conditions:
Bardet-Biedl syndrome 17 (BBS17). Identifiers: Orphanet 110, MedGen C3714980, MONDO:0014445, OMIM 615994.
LZTFL1-related disorder. Also called: LZTFL1-related condition.

Allele frequency attached by ClinVar (database versions not stated): gnomAD 0.00001; gnomAD exomes 0.00001 and 0.00006; ExAC 0.00003; TOPMed 0.00003.
gnomAD v4.1: 24 of 1,613,516 alleles (0.0015%); highest among the groups gnomAD compares: Admixed American, 0.025%; no homozygotes.

Submissions (4):

Fulgent Genetics
Classification: Uncertain significance for Bardet-Biedl syndrome 17. Last evaluated: 2022-03-24. Review status: criteria provided, single submitter. Criteria: ACMG Guidelines, 2015. Collection method: clinical testing. Allele origin: unknown.

Labcorp Genetics (formerly Invitae), Labcorp
Classification: Uncertain significance. Last evaluated: 2021-10-08. Review status: criteria provided, single submitter. Criteria: Invitae Variant Classification Sherloc (09022015). Collection method: clinical testing. Allele origin: germline.
Comment: This sequence change replaces methionine with valine at codon 256 of the LZTFL1 protein (p.Met256Val). The methionine residue is moderately conserved and there is a small physicochemical difference between methionine and valine. This variant is present in population databases (rs768813044, ExAC 0.02%). This variant has not been reported in the literature in individuals affected with LZTFL1-related conditions. Algorithms developed to predict the effect of missense changes on protein structure and function output the following: SIFT: "Tolerated"; PolyPhen-2: "Benign"; Align-GVGD: "Class C0". The valine amino acid residue is found in multiple mammalian species, which suggests that this missense change does not adversely affect protein function. In summary, the available evidence is currently insufficient to determine the role of this variant in disease. Therefore, it has been classified as a Variant of Uncertain Significance.

Blueprint Genetics
Classification: Uncertain significance. Last evaluated: 2021-06-23. Review status: criteria provided, single submitter. Criteria: ACMG Guidelines, 2015. Collection method: clinical testing. Allele origin: germline.

PreventionGenetics, part of Exact Sciences
Classification: Uncertain significance for LZTFL1-related condition. Last evaluated: 2024-01-24. Review status: no assertion criteria provided. Collection method: clinical testing. Allele origin: germline. Not counted in ClinVar's aggregate classification.
Comment: The LZTFL1 c.766A>G variant is predicted to result in the amino acid substitution p.Met256Val. To our knowledge, this variant has not been reported in the literature. This variant is reported in 0.038% of alleles in individuals of Latino descent in gnomAD. At this time, the clinical significance of this variant is uncertain due to the absence of conclusive functional and genetic evidence.

NM_020347.4(LZTFL1):c.766A>G (p.Met256Val)

Gene: LZTFL1 (leucine zipper transcription factor like 1; minus strand). Cytogenetic location: 3p21.31.
Variant type: single nucleotide variant.
Coding change: c.766A>G on transcript NM_020347.4 (MANE Select); coding-DNA position 766, A replaced by G.
Protein change: p.Met256Val; replaces methionine 256 with valine.
Molecular consequence: missense variant. On other transcripts: non-coding transcript variant (1).
Genome position (GRCh38, 1-based): chr3:45,828,450, T>C on the plus strand (A>G on the coding strand, the complement: LZTFL1 is on the minus strand). VCF-style: chr3-45828450-T-C. GRCh37 (hg19) VCF-style: chr3-45869942-T-C.
Other names: c.715A>G, p.Met239Val (NM_001276378.2, NM_001386451.1); c.754A>G, p.Met252Val (NM_001276379.2); c.766A>G, p.Met256Val (NM_001386452.1); c.766A>G (NM_020347.3); short protein forms M256V, M252V, M239V.
Identifiers: ClinVar variation 1356804 (VCV001356804.7), dbSNP rs768813044, ClinGen allele CA2351865.